The following is an entry in ClinVar:

NM_001035.3(RYR2):c.11246-3T>G

Gene: RYR2 (ryanodine receptor 2; plus strand). Cytogenetic location: 1q43.
Variant type: single nucleotide variant.
Coding change: c.11246-3T>G on transcript NM_001035.3 (MANE Select); 3 bases into the intron before coding-DNA position 11246, T replaced by G.
Molecular consequence: intron variant.
Genome position (GRCh38, 1-based): chr1:237,757,694, T>G. VCF-style: chr1-237757694-T-G. GRCh37 (hg19) VCF-style: chr1-237920994-T-G.
Identifiers: ClinVar variation 1464663 (VCV001464663.7), dbSNP rs761460667, ClinGen allele CA2573132877.

ClinVar aggregate classification (germline): Uncertain significance (1 of 4 stars; one submission).

Conditions:
Catecholaminergic polymorphic ventricular tachycardia 1. Also called: RYR2-Related Catecholaminergic Polymorphic Ventricular Tachycardia; VENTRICULAR TACHYCARDIA, STRESS-INDUCED POLYMORPHIC 1; VENTRICULAR TACHYCARDIA, CATECHOLAMINERGIC POLYMORPHIC, 1, WITH OR WITHOUT ATRIAL DYSFUNCTION AND/OR DILATED CARDIOMYOPATHY. Identifiers: Orphanet 3286, MedGen C1631597, MONDO:0011484, OMIM 604772.

Submission:

Labcorp Genetics (formerly Invitae), Labcorp
Classification: Uncertain significance for Catecholaminergic polymorphic ventricular tachycardia 1. Last evaluated: 2021-03-23. Review status: criteria provided, single submitter. Criteria: Invitae Variant Classification Sherloc (09022015). Collection method: clinical testing. Allele origin: germline.
Comment: In summary, the available evidence is currently insufficient to determine the role of this variant in disease. Therefore, it has been classified as a Variant of Uncertain Significance. Nucleotide substitutions within the consensus splice site are a relatively common cause of aberrant splicing (PMID: 17576681, 9536098). Algorithms developed to predict the effect of sequence changes on RNA splicing suggest that this variant may disrupt the consensus splice site, but this prediction has not been confirmed by published transcriptional studies. This variant has not been reported in the literature in individuals with RYR2-related conditions. This variant is not present in population databases (ExAC no frequency). This sequence change falls in intron 81 of the RYR2 gene. It does not directly change the encoded amino acid sequence of the RYR2 protein. It affects a nucleotide within the consensus splice site of the intron.

Literature cited by the submitters: PubMed 17576681; PubMed 9536098.